The following is an entry in ClinVar:

ClinVar aggregate classification (germline): Uncertain significance (1 of 4 stars; one submission).

Conditions:
Hereditary cancer-predisposing syndrome. Also called: Neoplastic Syndromes, Hereditary; Tumor predisposition; Hereditary Cancer Syndrome; Hereditary neoplastic syndrome. Identifiers: Orphanet 140162, MedGen C0027672, MeSH D009386, MONDO:0015356.

Submission:

Ambry Genetics
Classification: Uncertain significance for Hereditary cancer-predisposing syndrome. Last evaluated: 2026-04-28. Review status: criteria provided, single submitter. Criteria: Ambry Variant Classification Scheme 2023. Collection method: clinical testing. Allele origin: germline.
Comment: The p.G534V variant (also known as c.1601G>T), located in coding exon 13 of the POT1 gene, results from a G to T substitution at nucleotide position 1601. The glycine at codon 534 is replaced by valine, an amino acid with dissimilar properties. This amino acid position is conserved. In addition, the in silico prediction for this alteration is inconclusive. Based on the available evidence, the clinical significance of this variant remains unclear.

NM_015450.3(POT1):c.1601G>T (p.Gly534Val)

Gene: POT1 (protection of telomeres 1; minus strand). Cytogenetic location: 7q31.33.
Variant type: single nucleotide variant.
Coding change: c.1601G>T on transcript NM_015450.3 (MANE Select); coding-DNA position 1601, G replaced by T.
Protein change: p.Gly534Val; replaces glycine 534 with valine.
Molecular consequence: missense variant. On other transcripts: non-coding transcript variant (3).
Genome position (GRCh38, 1-based): chr7:124,827,299, C>A on the plus strand (G>T on the coding strand, the complement: POT1 is on the minus strand). VCF-style: chr7-124827299-C-A. GRCh37 (hg19) VCF-style: chr7-124467353-C-A.
Other names: c.1208G>T, p.Gly403Val (NM_001042594.2); short protein forms G403V, G534V.
Identifiers: ClinVar variation 4862397 (VCV004862397.1).